The following is an entry in ClinVar:

NM_007129.5(ZIC2):c.418G>C (p.Gly140Arg)

Gene: ZIC2 (Zic family member 2; plus strand). Cytogenetic location: 13q32.3.
Variant type: single nucleotide variant.
Coding change: c.418G>C on transcript NM_007129.5 (MANE Select); coding-DNA position 418, G replaced by C.
Protein change: p.Gly140Arg; replaces glycine 140 with arginine.
Molecular consequence: missense variant.
Genome position (GRCh38, 1-based): chr13:99,982,482, G>C. VCF-style: chr13-99982482-G-C. GRCh37 (hg19) VCF-style: chr13-100634736-G-C.
Other names: short protein forms G140R.
Identifiers: ClinVar variation 931234 (VCV000931234.3), dbSNP rs1164231504, ClinGen allele CA388637250.
Genomic context (GRCh38, chr13:99,982,482, plus strand): 5'-CTGTTCCGCAGCCGCGGCTTCGGGGACTCGGCGCCGGGCGGCGGGCAGCACGGGCTGTTC[G>C]GGCCGGGCGCGGGCGGCCTGCACCACGCGCACTCGGACGCGCAGGGCCACCTCCTCTTCC-3'
Protein context (NP_009060.2, residues 130-150): APGGGQHGLF[Gly140Arg]PGAGGLHHAH

ClinVar aggregate classification (germline): Uncertain significance (1 of 4 stars; one submission).

Conditions:
Holoprosencephaly 5 (HPE5). Identifiers: Orphanet 2162, MedGen C1864827, MONDO:0012322, OMIM 609637.

Allele frequency attached by ClinVar (database versions not stated): gnomAD exomes below 0.00001; gnomAD 0.00001; TOPMed 0.00001.

Submission:

Centre for Mendelian Genomics, University Medical Centre Ljubljana
Classification: Uncertain significance for Holoprosencephaly 5. Last evaluated: 2019-11-12. Review status: criteria provided, single submitter. Criteria: ACMG Guidelines, 2015. Collection method: clinical testing. Allele origin: unknown. Affected: yes.
Comment: This variant was classified as: Uncertain significance. The available evidence on this variant's pathogenicity is insufficient or conflicting. The following ACMG criteria were applied in classifying this variant: PM2,PP3,.